The following is an entry in ClinVar:

NM_032199.3(ARID5B):c.2448A>G (p.Lys816=)

Gene: ARID5B (AT-rich interaction domain 5B; plus strand). Cytogenetic location: 10q21.2.
Variant type: single nucleotide variant.
Coding change: c.2448A>G on transcript NM_032199.3 (MANE Select); coding-DNA position 2448, A replaced by G.
Protein change: p.Lys816=; no amino-acid change (lysine 816 retained).
Molecular consequence: synonymous variant.
Genome position (GRCh38, 1-based): chr10:62,091,911, A>G. VCF-style: chr10-62091911-A-G. GRCh37 (hg19) VCF-style: chr10-63851670-A-G.
Other names: c.1719A>G, p.Lys573= (NM_001244638.2).
Identifiers: ClinVar variation 3031682 (VCV003031682.2), dbSNP rs1477130085, ClinGen allele CA469995280.

ClinVar aggregate classification (germline): Likely benign (0 of 4 stars; one submission).

Conditions:
ARID5B-related disorder. Also called: ARID5B-related condition.

Allele frequency attached by ClinVar (database versions not stated): gnomAD exomes below 0.00001.
gnomAD v4.1: 1 of 1,613,976 alleles (0.000062%); highest among the groups gnomAD compares: Admixed American, 0.0017%; no homozygotes.

Submission:

PreventionGenetics, part of Exact Sciences
Classification: Likely benign for ARID5B-related condition. Last evaluated: 2020-09-30. Review status: no assertion criteria provided. Collection method: clinical testing. Allele origin: germline.
Comment: This variant is classified as likely benign based on ACMG/AMP sequence variant interpretation guidelines (Richards et al. 2015 PMID: 25741868, with internal and published modifications).